The following is an entry in ClinVar:

ClinVar aggregate classification (germline): Uncertain significance. Review status: criteria provided, multiple submitters, no conflicts (2 of 4 stars). 2 submissions from 2 submitters: Uncertain significance (2). Last evaluated 2026-07-06.

Conditions:
Wilms tumor 1 (WT1). Also called: Wilms tumor, somatic. Identifiers: Orphanet 654, MedGen CN033288, MONDO:0008679, OMIM 194070.
11p partial monosomy syndrome (WAGR). Also called: WAGR syndrome; WAGR Complex; CHROMOSOME 11p13 DELETION SYNDROME; WAGR Spectrum Disorder. Identifiers: Orphanet 893, MedGen C0206115, MONDO:0008681, OMIM 194072.
Drash syndrome (DDS). Also called: WILMS TUMOR AND PSEUDO- OR TRUE HERMAPHRODITISM; NEPHROPATHY, WILMS TUMOR, AND GENITAL ANOMALIES. Identifiers: Orphanet 220, MedGen C0950121, MONDO:0008682, OMIM 194080.
Frasier syndrome. Identifiers: Orphanet 347, MedGen C0950122, MeSH D052159, MONDO:0007635, OMIM 136680.
Inborn genetic diseases. Identifiers: MedGen C0950123, MeSH D030342.

Submissions (2):

Ambry Genetics
Classification: Uncertain significance for Inborn genetic diseases. Last evaluated: 2026-07-06. Review status: criteria provided, single submitter. Criteria: Ambry Variant Classification Scheme 2023. Collection method: clinical testing. Allele origin: germline.
Comment: The p.H137Q variant (also known as c.411C>G), located in coding exon 1 of the WT1 gene, results from a C to G substitution at nucleotide position 411. The histidine at codon 137 is replaced by glutamine, an amino acid with highly similar properties. This amino acid position is conserved. In addition, this alteration is predicted to be tolerated by in silico analysis. Based on the available evidence, the clinical significance of this variant remains unclear.

Labcorp Genetics (formerly Invitae), Labcorp
Classification: Uncertain significance for Wilms tumor 1; Drash syndrome; 11p partial monosomy syndrome; Frasier syndrome. Last evaluated: 2020-11-11. Review status: criteria provided, single submitter. Criteria: Invitae Variant Classification Sherloc (09022015). Collection method: clinical testing. Allele origin: germline.
Comment: Algorithms developed to predict the effect of missense changes on protein structure and function are either unavailable or do not agree on the potential impact of this missense change (SIFT: "Deleterious"; PolyPhen-2: "Possibly Damaging"; Align-GVGD: "Class C15"). In summary, the available evidence is currently insufficient to determine the role of this variant in disease. Therefore, it has been classified as a Variant of Uncertain Significance. Algorithms developed to predict the effect of sequence changes on RNA splicing suggest that this variant may create or strengthen a splice site, but this prediction has not been confirmed by published transcriptional studies. This variant has not been reported in the literature in individuals with WT1-related conditions. This variant is not present in population databases (ExAC no frequency). This sequence change replaces histidine with glutamine at codon 137 of the WT1 protein (p.His137Gln). The histidine residue is highly conserved and there is a small physicochemical difference between histidine and glutamine.

NM_024426.6(WT1):c.426C>G (p.His142Gln)

Genes: WT1 (WT1 transcription factor; minus strand), LOC107982234 (WT1/WT1-AS bi-directional promoter region; plus strand). Cytogenetic location: 11p13.
Variant type: single nucleotide variant.
Coding change: c.426C>G on transcript NM_024426.6 (MANE Select); coding-DNA position 426, C replaced by G.
Protein change: p.His142Gln; replaces histidine 142 with glutamine.
Molecular consequence: missense variant. On other transcripts: non-coding transcript variant (1).
Genome position (GRCh38, 1-based): chr11:32,434,935, G>C on the plus strand (C>G on the coding strand, the complement: WT1 is on the minus strand). VCF-style: chr11-32434935-G-C. GRCh37 (hg19) VCF-style: chr11-32456481-G-C.
Other names: c.426C>G, p.His142Gln (NM_000378.6, NM_024424.5); c.411C>G (NM_024426.4); short protein forms H142Q.
Identifiers: ClinVar variation 1421888 (VCV001421888.9), dbSNP rs1183359726, ClinGen allele CA379965681.
Genomic context (GRCh38, chr11:32,434,935, plus strand): 5'-CAGGCACTGCTCCTCGTGCGGCTCCGCGCCGCCCCAGCTCGGCTCCTGTTTGATGAAGGA[G>C]TGAGGCGGCGGCGGCGGGGGTGGCGGCGGAGCCGGTGGCGGCGCGGGGCCGCCCAACGAC-3'
Protein context (NP_077744.4, residues 132-152): APPPPPPPPP[His142Gln]SFIKQEPSWG